The following is an entry in ClinVar:

NM_032830.3(UTP4):c.464C>A (p.Pro155His)

Gene: UTP4 (UTP4 small subunit processome component). Cytogenetic location: 16q22.1.
Variant type: single nucleotide variant.
Coding change: c.464C>A on transcript NM_032830.3 (MANE Select); coding-DNA position 464, C replaced by A.
Protein change: p.Pro155His; replaces proline 155 with histidine.
Molecular consequence: missense variant.
Genome position (GRCh38, 1-based): chr16:69,139,852, C>A. VCF-style: chr16-69139852-C-A. GRCh37 (hg19) VCF-style: chr16-69173755-C-A.
Other names: c.464C>A (NM_032830.2); c.215C>A, p.Pro72His (NM_001318391.2); short protein forms P155H, P72H.
Identifiers: ClinVar variation 2890657 (VCV002890657.5), dbSNP rs201153482, ClinGen allele CA8132056.

ClinVar aggregate classification (germline): Likely benign. Review status: criteria provided, single submitter (1 of 4 stars). 2 submissions from 2 submitters: Likely benign (1). 1 of the submissions does not count toward it. Last evaluated 2024-09-14.

Conditions:
UTP4-related disorder. Also called: UTP4-related condition.

Allele frequency attached by ClinVar (database versions not stated): TOPMed below 0.00001; gnomAD exomes 0.00012; 1000 Genomes Project 30x 0.00016; 1000 Genomes Project 0.00020; ExAC 0.00021; gnomAD 0.00027.
gnomAD v4.1: 211 of 1,613,794 alleles (0.013%); highest among the groups gnomAD compares: Non-Finnish European, 0.0033%; 1 homozygote.

Submissions (2):

Labcorp Genetics (formerly Invitae), Labcorp
Classification: Likely benign. Last evaluated: 2024-09-14. Review status: criteria provided, single submitter. Criteria: Invitae Variant Classification Sherloc (09022015). Collection method: clinical testing. Allele origin: germline.

PreventionGenetics, part of Exact Sciences
Classification: Likely benign for UTP4-related condition. Last evaluated: 2023-12-26. Review status: no assertion criteria provided. Collection method: clinical testing. Allele origin: germline. Not counted in ClinVar's aggregate classification.
Comment: This variant is classified as likely benign based on ACMG/AMP sequence variant interpretation guidelines (Richards et al. 2015 PMID: 25741868, with internal and published modifications).